The following is an entry in ClinVar:

ClinVar aggregate classification (germline): Conflicting classifications of pathogenicity. Review status: criteria provided, conflicting classifications (1 of 4 stars). 2 submissions from 2 submitters: Uncertain significance (1); Likely benign (1). Last evaluated 2025-02-11.

Conditions:
Inborn genetic diseases. Identifiers: MedGen C0950123, MeSH D030342.
Acute myeloid leukemia (AML). Also called: Leukemia, acute myeloid, somatic; Leukemia, acute myelogenous, somatic; Acute myeloid leukemia, adult; AML adult; Acute non-lymphocytic leukemia; Acute granulocytic leukemia. Identifiers: Orphanet 519, MedGen C0023467, MeSH D015470, MONDO:0018874, OMIM 601626, HP:0004808. Disease mechanism: Constitutively activated FLT3.

Allele frequency attached by ClinVar (database versions not stated): gnomAD exomes below 0.00001.

Submissions (2):

Ambry Genetics
Classification: Likely benign for Inborn genetic diseases. Last evaluated: 2025-02-11. Review status: criteria provided, single submitter. Criteria: Ambry Variant Classification Scheme 2023. Collection method: clinical testing. Allele origin: germline.

Labcorp Genetics (formerly Invitae), Labcorp
Classification: Uncertain significance for Acute myeloid leukemia. Last evaluated: 2024-01-28. Review status: criteria provided, single submitter. Criteria: Invitae Variant Classification Sherloc (09022015). Collection method: clinical testing. Allele origin: germline.
Comment: This sequence change replaces proline, which is neutral and non-polar, with serine, which is neutral and polar, at codon 188 of the CEBPA protein (p.Pro188Ser). This variant is not present in population databases (gnomAD no frequency). This variant has not been reported in the literature in individuals affected with CEBPA-related conditions. ClinVar contains an entry for this variant (Variation ID: 1428195). An algorithm developed to predict the effect of missense changes on protein structure and function (PolyPhen-2) suggests that this variant is likely to be disruptive. In summary, the available evidence is currently insufficient to determine the role of this variant in disease. Therefore, it has been classified as a Variant of Uncertain Significance.

NM_004364.5(CEBPA):c.562C>T (p.Pro188Ser)

Gene: CEBPA (CCAAT enhancer binding protein alpha; minus strand). Cytogenetic location: 19q13.11.
Variant type: single nucleotide variant.
Coding change: c.562C>T on transcript NM_004364.5 (MANE Select); coding-DNA position 562, C replaced by T.
Protein change: p.Pro188Ser; replaces proline 188 with serine.
Molecular consequence: missense variant.
Genome position (GRCh38, 1-based): chr19:33,301,853, G>A on the plus strand (C>T on the coding strand, the complement: CEBPA is on the minus strand). VCF-style: chr19-33301853-G-A. GRCh37 (hg19) VCF-style: chr19-33792759-G-A.
Other names: c.205C>T, p.Pro69Ser (NM_001285829.2); c.667C>T, p.Pro223Ser (NM_001287424.2); c.520C>T, p.Pro174Ser (NM_001287435.2); c.562C>T (NM_004364.3); short protein forms P174S, P188S, P223S, P69S.
Identifiers: ClinVar variation 1428195 (VCV001428195.7), dbSNP rs2145261406, ClinGen allele CA405274687.